The following is an entry in ClinVar:

NM_001943.5(DSG2):c.1801del (p.Glu601fs)

Gene: DSG2 (desmoglein 2; plus strand). Cytogenetic location: 18q12.1.
Variant type: Deletion.
Coding change: c.1801del on transcript NM_001943.5 (MANE Select); coding-DNA position 1801, one base deleted (G; older notation c.1801delG).
Protein change: p.Glu601fs; shifts the reading frame from glutamic acid 601.
Molecular consequence: frameshift variant.
Genome position (GRCh38, 1-based): chr18:31,538,900, G deleted; the last of 3 consecutive G bases (chr18:31,538,898-31,538,900); deleting any one gives the same sequence. VCF-style (leftmost placement, unchanged base first): chr18-31538897-AG-A. GRCh37 (hg19) VCF-style: chr18-29118860-AG-A.
Other names: short protein forms E601fs.
Identifiers: ClinVar variation 2739198 (VCV002739198.5), dbSNP rs761852941, ClinGen allele CA043730.
Genomic context (GRCh38, chr18:31,538,897, plus strand): 5'-TGTCCTGAAAAGCAGGTCCTTACACTCACAGTTTGTGAGTGTCTGCATGGCAGCGGCTGC[AG>A]GGAAGCACAGCATGACTCCTATGTGGGCCTGGGACCCGCAGCAATTGCGCTCATGATTTT-3'

ClinVar aggregate classification (germline): Conflicting classifications of pathogenicity. Review status: criteria provided, conflicting classifications (1 of 4 stars). 3 submissions from 3 submitters: Pathogenic (1); Likely pathogenic (1); Uncertain significance (1). Last evaluated 2024-08-05.

Conditions:
Cardiomyopathy (CMYO). Also called: Cardiomyopathies. Identifiers: Orphanet 167848, MedGen C0878544, MONDO:0004994, HP:0001638. Inheritance: Various modes of inheritance.
Arrhythmogenic right ventricular dysplasia 10. Also called: Arrhythmogenic Right Ventricular Dysplasia/Cardiomyopathy10; ARRHYTHMOGENIC RIGHT VENTRICULAR DYSPLASIA, FAMILIAL, 10; Arrhythmogenic right ventricular dysplasia/cardiomyopathy, type 10. Identifiers: MedGen C1857777, MONDO:0012434, OMIM 610193.
DSG2-related disorders.

Submissions (3):

Color Diagnostics, LLC DBA Color Health
Classification: Uncertain significance for Cardiomyopathy. Last evaluated: 2024-08-05. Review status: criteria provided, single submitter. Criteria: ACMG Guidelines, 2015. Collection method: clinical testing. Allele origin: germline.
Comment: This variant deletes 1 nucleotide in exon 12 of the DSG2 gene, creating a frameshift and premature translation stop signal. This variant is expected to result in an absent or non-functional protein product. To our knowledge, this variant has not been reported in individuals affected with DSG2-related disorders in the literature. This variant has been identified in 3/249152 chromosomes in the general population by the Genome Aggregation Database (gnomAD). The role of loss-of-function truncation variants in the DSG2 gene in autosomal dominant arrhythmogenic right ventricular cardiomyopathy is not clearly understood. The available evidence is insufficient to determine the role of this variant in disease conclusively. Therefore, this variant is classified as a Variant of Uncertain Significance.

Labcorp Genetics (formerly Invitae), Labcorp
Classification: Pathogenic for Arrhythmogenic right ventricular dysplasia 10. Last evaluated: 2023-11-30. Review status: criteria provided, single submitter. Criteria: Invitae Variant Classification Sherloc (09022015). Collection method: clinical testing. Allele origin: germline.
Comment: This sequence change creates a premature translational stop signal (p.Glu601Lysfs*18) in the DSG2 gene. It is expected to result in an absent or disrupted protein product. Loss-of-function variants in DSG2 are known to be pathogenic (PMID: 17105751, 31386562). This variant is present in population databases (rs761852941, gnomAD 0.003%). This premature translational stop signal has been observed in individual(s) with arrhythmogenic right ventricular cardiomyopathy (PMID: 31638835). For these reasons, this variant has been classified as Pathogenic.

Blueprint Genetics
Classification: Likely pathogenic for DSG2-related disorders. Last evaluated: 2020-04-21. Review status: criteria provided, single submitter. Criteria: ACMG Guidelines, 2015. Collection method: clinical testing. Allele origin: germline. Affected: yes. Observed: 4 variant alleles.

Literature cited by the submitters: PubMed 17105751 (cited by Labcorp Genetics (formerly Invitae), Labcorp); PubMed 31386562 (cited by Labcorp Genetics (formerly Invitae), Labcorp); PubMed 31638835 (cited by Labcorp Genetics (formerly Invitae), Labcorp).